The following is an entry in ClinVar:

NM_001184.4(ATR):c.283A>G (p.Ser95Gly)

Gene: ATR (ATR checkpoint kinase; minus strand). Cytogenetic location: 3q23.
Variant type: single nucleotide variant.
Coding change: c.283A>G on transcript NM_001184.4 (MANE Select); coding-DNA position 283, A replaced by G.
Protein change: p.Ser95Gly; replaces serine 95 with glycine.
Molecular consequence: missense variant.
Genome position (GRCh38, 1-based): chr3:142,566,130, T>C on the plus strand (A>G on the coding strand, the complement: ATR is on the minus strand). VCF-style: chr3-142566130-T-C. GRCh37 (hg19) VCF-style: chr3-142284972-T-C.
Other names: c.283A>G, p.Ser95Gly (NM_001354579.2); short protein forms S95G.
Identifiers: ClinVar variation 851760 (VCV000851760.10), dbSNP rs1275079272, ClinGen allele CA354828265.
Genomic context (GRCh38, chr3:142,566,130, plus strand): 5'-GAGGATTTTATAGAACAGATGGCAAGTGAATGCATGAATAACAGCACTTACCAATACAAC[T>C]GCCTTTGGCCTCATGGCTTCCACTCACATTTACAAACATAAGTGGGGAGGATTTCATGAT-3'
Protein context (NP_001175.2, residues 85-105): NVSGSHEAKG[Ser95Gly]CIEFSNWIIT

ClinVar aggregate classification (germline): Uncertain significance. Review status: criteria provided, multiple submitters, no conflicts (2 of 4 stars). 2 submissions from 2 submitters: Uncertain significance (2). Last evaluated 2024-06-05.

Conditions:
Inborn genetic diseases. Identifiers: MedGen C0950123, MeSH D030342.

Allele frequency attached by ClinVar (database versions not stated): gnomAD exomes below 0.00001.
gnomAD v4.1: 2 of 1,614,174 alleles (0.00012%); highest among the groups gnomAD compares: South Asian, 0.0011%; no homozygotes.

Submissions (2):

Ambry Genetics
Classification: Uncertain significance for Inborn genetic diseases. Last evaluated: 2024-06-05. Review status: criteria provided, single submitter. Criteria: Ambry Variant Classification Scheme 2023. Collection method: clinical testing. Allele origin: germline.
Comment: The p.S95G variant (also known as c.283A>G), located in coding exon 3 of the ATR gene, results from an A to G substitution at nucleotide position 283. The serine at codon 95 is replaced by glycine, an amino acid with similar properties. This amino acid position is conserved. In addition, this alteration is predicted to be tolerated by in silico analysis. Based on the available evidence, the clinical significance of this variant remains unclear.

Labcorp Genetics (formerly Invitae), Labcorp
Classification: Uncertain significance. Last evaluated: 2019-11-26. Review status: criteria provided, single submitter. Criteria: Invitae Variant Classification Sherloc (09022015). Collection method: clinical testing. Allele origin: germline.
Comment: In summary, the available evidence is currently insufficient to determine the role of this variant in disease. Therefore, it has been classified as a Variant of Uncertain Significance. Algorithms developed to predict the effect of missense changes on protein structure and function (SIFT, PolyPhen-2, Align-GVGD) all suggest that this variant is likely to be tolerated, but these predictions have not been confirmed by published functional studies and their clinical significance is uncertain. This variant has not been reported in the literature in individuals with ATR-related conditions. This variant is not present in population databases (ExAC no frequency). This sequence change replaces serine with glycine at codon 95 of the ATR protein (p.Ser95Gly). The serine residue is weakly conserved and there is a small physicochemical difference between serine and glycine.